The following is an entry in ClinVar:

ClinVar aggregate classification (germline): Conflicting classifications of pathogenicity. Review status: criteria provided, conflicting classifications (1 of 4 stars). 3 submissions from 3 submitters: Uncertain significance (1); Likely benign (2). Last evaluated 2025-04-01.

Conditions:
Inborn genetic diseases. Identifiers: MedGen C0950123, MeSH D030342.

Allele frequency attached by ClinVar (database versions not stated): ExAC 0.00005; ESP Exome Variant Server 0.00022; 1000 Genomes Project 30x 0.00062.
gnomAD v4.1: 46 of 1,551,608 alleles (0.003%); highest among the groups gnomAD compares: East Asian, 0.017%; no homozygotes.

Submissions (3):

CeGaT Center for Human Genetics Tuebingen
Classification: Likely benign. Last evaluated: 2025-04-01. Review status: criteria provided, single submitter. Criteria: CeGaT Center For Human Genetics Tuebingen Variant Classification Criteria Version 2. Collection method: clinical testing. Allele origin: germline. Affected: yes. Observed: 1 variant allele.
Comment: ZSWIM6: BS2

Labcorp Genetics (formerly Invitae), Labcorp
Classification: Likely benign. Last evaluated: 2025-02-18. Review status: criteria provided, single submitter. Criteria: Invitae Variant Classification Sherloc (09022015). Collection method: clinical testing. Allele origin: germline.

Ambry Genetics
Classification: Uncertain significance for Inborn genetic diseases. Last evaluated: 2024-02-21. Review status: criteria provided, single submitter. Criteria: Ambry Variant Classification Scheme 2023. Collection method: clinical testing. Allele origin: germline.

NM_020928.2(ZSWIM6):c.2219G>A (p.Arg740His)

Gene: ZSWIM6 (zinc finger SWIM-type containing 6; plus strand). Cytogenetic location: 5q12.1.
Variant type: single nucleotide variant.
Coding change: c.2219G>A on transcript NM_020928.2 (MANE Select); coding-DNA position 2219, G replaced by A.
Protein change: p.Arg740His; replaces arginine 740 with histidine.
Molecular consequence: missense variant.
Genome position (GRCh38, 1-based): chr5:61,531,699, G>A. VCF-style: chr5-61531699-G-A. GRCh37 (hg19) VCF-style: chr5-60827526-G-A.
Other names: c.2219G>A (NM_020928.1); short protein forms R740H.
Identifiers: ClinVar variation 1916359 (VCV001916359.13), dbSNP rs148746224, ClinGen allele CA3278426.
Genomic context (GRCh38, chr5:61,531,699, plus strand): 5'-AGCAGCTCATTTCTAAGCTTCAGGAAATTGAATTGGATGACACACTGGTGAAAATTTTTC[G>A]CAAGCAAGCAGTCTTCCTATTAGAAGGTAGCCTGATACAGAAGTTTTCCACTTATTTAGC-3'
Protein context (NP_065979.1, residues 730-750): ELDDTLVKIF[Arg740His]KQAVFLLEAG